The following is an entry in ClinVar:

ClinVar aggregate classification (germline): Uncertain significance (1 of 4 stars; one submission).

Conditions:
Epidermolysis bullosa simplex 5B, with muscular dystrophy (EBS5B). Also called: EPIDERMOLYSIS BULLOSA SIMPLEX AND LIMB-GIRDLE MUSCULAR DYSTROPHY; Epidermolysis bullosa simplex with muscular dystrophy. Identifiers: Orphanet 257, MedGen C2931072, MONDO:0009181, OMIM 226670.
Epidermolysis bullosa simplex, Ogna type (EBS5A). Also called: Pidermolysis bullosa simplex 5A, Ogna type; EPIDERMOLYSIS BULLOSA SIMPLEX 5A, OGNA TYPE. Identifiers: Orphanet 79401, MedGen C0432317, MONDO:0007555, OMIM 131950.
Epidermolysis bullosa simplex 5C, with pyloric atresia (EBS5C). Also called: Epidermolysis bullosa simplex with pyloric atresia; PLEC-Related Epidermolysis Bullosa with Pyloric Atresia; PLEC1-Related Epidermolysis Bullosa with Pyloric Atresia. Identifiers: Orphanet 158684, MedGen C2677349, MONDO:0012807, OMIM 612138.
Autosomal recessive limb-girdle muscular dystrophy type 2Q (LGMDR17). Also called: MUSCULAR DYSTROPHY, LIMB-GIRDLE, AUTOSOMAL RECESSIVE 17. Identifiers: Orphanet 254361, MedGen C3150989, MONDO:0013390, OMIM 613723.
Epidermolysis bullosa simplex with nail dystrophy (EBS5D). Identifiers: MedGen C4225309, MONDO:0014661, OMIM 616487.

gnomAD v4.1: 2 of 1,611,938 alleles (0.00012%); highest among the groups gnomAD compares: Non-Finnish European, 0.00017%; no homozygotes.

Submission:

Labcorp Genetics (formerly Invitae), Labcorp
Classification: Uncertain significance for Autosomal recessive limb-girdle muscular dystrophy type 2Q; Epidermolysis bullosa simplex, Ogna type; Epidermolysis bullosa simplex with nail dystrophy; Epidermolysis bullosa simplex 5C, with pyloric atresia; Epidermolysis bullosa simplex 5B, with muscular dystrophy. Last evaluated: 2025-06-08. Review status: criteria provided, single submitter. Criteria: Invitae Variant Classification Sherloc (09022015). Collection method: clinical testing. Allele origin: germline.
Comment: This sequence change replaces glutamine, which is neutral and polar, with histidine, which is basic and polar, at codon 429 of the PLEC protein (p.Gln429His). This variant is not present in population databases (gnomAD no frequency). This variant has not been reported in the literature in individuals affected with PLEC-related conditions. Experimental studies and prediction algorithms are not available or were not evaluated, and the functional significance of this variant is currently unknown. In summary, the available evidence is currently insufficient to determine the role of this variant in disease. Therefore, it has been classified as a Variant of Uncertain Significance.

NM_201384.3(PLEC):c.1206G>C (p.Gln402His)

Gene: PLEC (plectin; minus strand). Cytogenetic location: 8q24.3.
Variant type: single nucleotide variant.
Coding change: c.1206G>C on transcript NM_201384.3 (MANE Select); coding-DNA position 1206, G replaced by C.
Protein change: p.Gln402His; replaces glutamine 402 with histidine.
Molecular consequence: missense variant.
Genome position (GRCh38, 1-based): chr8:143,934,055, C>G on the plus strand (G>C on the coding strand, the complement: PLEC is on the minus strand). VCF-style: chr8-143934055-C-G. GRCh37 (hg19) VCF-style: chr8-145008223-C-G.
Other names: c.1287G>C, p.Gln429His (NM_000445.5, NM_001410941.1); c.1164G>C, p.Gln388His (NM_201378.4); c.1140G>C, p.Gln380His (NM_201379.3); c.1617G>C, p.Gln539His (NM_201380.4); c.1110G>C, p.Gln370His (NM_201381.3); c.1206G>C, p.Gln402His (NM_201382.4); c.1218G>C, p.Gln406His (NM_201383.3); short protein forms Q406H, Q429H, Q370H, Q380H, Q388H, Q402H, Q539H.
Identifiers: ClinVar variation 4794312 (VCV004794312.1).
Genomic context (GRCh38, chr8:143,934,055, plus strand): 5'-CACCGACTGCAGCAGGGCGTCGGCCTGGTTCAGCTGCTCCTCACACAGCCCCGCCTCCAT[C>G]TGCAGCTTGGTCACGATGCGCTGAAGACACTCCAGCCTGCAGCAGCAGCACAGGGAAGGG-3'
Protein context (NP_958786.1, residues 392-412): ECLQRIVTKL[Gln402His]MEAGLCEEQL